The following is an entry in ClinVar:

NM_201384.3(PLEC):c.1978G>T (p.Ala660Ser)

Gene: PLEC (plectin; minus strand). Cytogenetic location: 8q24.3.
Variant type: single nucleotide variant.
Coding change: c.1978G>T on transcript NM_201384.3 (MANE Select); coding-DNA position 1978, G replaced by T.
Protein change: p.Ala660Ser; replaces alanine 660 with serine.
Molecular consequence: missense variant.
Genome position (GRCh38, 1-based): chr8:143,932,234, C>A on the plus strand (G>T on the coding strand, the complement: PLEC is on the minus strand). VCF-style: chr8-143932234-C-A. GRCh37 (hg19) VCF-style: chr8-145006402-C-A.
Other names: c.1990G>T, p.Ala664Ser (NM_201383.3); c.2059G>T, p.Ala687Ser (NM_000445.5); c.1936G>T, p.Ala646Ser (NM_201378.4); c.1912G>T, p.Ala638Ser (NM_201379.3); c.2389G>T, p.Ala797Ser (NM_201380.4); c.1882G>T, p.Ala628Ser (NM_201381.3); c.1978G>T, p.Ala660Ser (NM_201382.4); short protein forms A628S, A638S, A646S, A687S, A797S, A660S, A664S.
Identifiers: ClinVar variation 837878 (VCV000837878.7), dbSNP rs1827539865, ClinGen allele CA372577738.

ClinVar aggregate classification (germline): Uncertain significance (1 of 4 stars; one submission).

Conditions:
Epidermolysis bullosa simplex 5C, with pyloric atresia (EBS5C). Also called: PLEC1-Related Epidermolysis Bullosa with Pyloric Atresia; Epidermolysis bullosa simplex with pyloric atresia; PLEC-Related Epidermolysis Bullosa with Pyloric Atresia. Identifiers: Orphanet 158684, MedGen C2677349, MONDO:0012807, OMIM 612138.
Epidermolysis bullosa simplex with nail dystrophy (EBS5D). Identifiers: MedGen C4225309, MONDO:0014661, OMIM 616487.
Epidermolysis bullosa simplex 5B, with muscular dystrophy (EBS5B). Also called: EPIDERMOLYSIS BULLOSA SIMPLEX AND LIMB-GIRDLE MUSCULAR DYSTROPHY; Epidermolysis bullosa simplex with muscular dystrophy. Identifiers: Orphanet 257, MedGen C2931072, MONDO:0009181, OMIM 226670.
Epidermolysis bullosa simplex, Ogna type (EBS5A). Also called: Pidermolysis bullosa simplex 5A, Ogna type; EPIDERMOLYSIS BULLOSA SIMPLEX 5A, OGNA TYPE. Identifiers: Orphanet 79401, MedGen C0432317, MONDO:0007555, OMIM 131950.
Autosomal recessive limb-girdle muscular dystrophy type 2Q (LGMDR17). Also called: MUSCULAR DYSTROPHY, LIMB-GIRDLE, AUTOSOMAL RECESSIVE 17. Identifiers: Orphanet 254361, MedGen C3150989, MONDO:0013390, OMIM 613723.

Allele frequency attached by ClinVar (database versions not stated): gnomAD exomes below 0.00001.

Submission:

Labcorp Genetics (formerly Invitae), Labcorp
Classification: Uncertain significance for Autosomal recessive limb-girdle muscular dystrophy type 2Q; Epidermolysis bullosa simplex, Ogna type; Epidermolysis bullosa simplex with nail dystrophy; Epidermolysis bullosa simplex 5C, with pyloric atresia; Epidermolysis bullosa simplex 5B, with muscular dystrophy. Last evaluated: 2022-08-15. Review status: criteria provided, single submitter. Criteria: Invitae Variant Classification Sherloc (09022015). Collection method: clinical testing. Allele origin: germline.
Comment: This sequence change replaces alanine, which is neutral and non-polar, with serine, which is neutral and polar, at codon 687 of the PLEC protein (p.Ala687Ser). This variant is not present in population databases (gnomAD no frequency). This variant has not been reported in the literature in individuals affected with PLEC-related conditions. ClinVar contains an entry for this variant (Variation ID: 837878). Algorithms developed to predict the effect of missense changes on protein structure and function are either unavailable or do not agree on the potential impact of this missense change (SIFT: "Tolerated"; PolyPhen-2: "Not Available"; Align-GVGD: "Class C0"). Algorithms developed to predict the effect of sequence changes on RNA splicing suggest that this variant may disrupt the consensus splice site. In summary, the available evidence is currently insufficient to determine the role of this variant in disease. Therefore, it has been classified as a Variant of Uncertain Significance.